The following is an entry in ClinVar:

ClinVar aggregate classification (germline): Uncertain significance (1 of 4 stars; one submission).

Conditions:
Catecholaminergic polymorphic ventricular tachycardia 1. Also called: RYR2-Related Catecholaminergic Polymorphic Ventricular Tachycardia; VENTRICULAR TACHYCARDIA, CATECHOLAMINERGIC POLYMORPHIC, 1, WITH OR WITHOUT ATRIAL DYSFUNCTION AND/OR DILATED CARDIOMYOPATHY; VENTRICULAR TACHYCARDIA, STRESS-INDUCED POLYMORPHIC 1. Identifiers: Orphanet 3286, MedGen C1631597, MONDO:0011484, OMIM 604772.

Submission:

Labcorp Genetics (formerly Invitae), Labcorp
Classification: Uncertain significance for Catecholaminergic polymorphic ventricular tachycardia 1. Last evaluated: 2018-10-12. Review status: criteria provided, single submitter. Criteria: Invitae Variant Classification Sherloc (09022015). Collection method: clinical testing. Allele origin: germline.
Comment: In summary, the available evidence is currently insufficient to determine the role of this variant in disease. Therefore, it has been classified as a Variant of Uncertain Significance. Experimental studies and prediction algorithms are not available for this variant, and the functional significance of the affected amino acid(s) is currently unknown. This variant has not been reported in the literature in individuals with RYR2-related disease. This variant is an in-frame deletion of the genomic region encompassing exons 13-15 of the RYR2 gene. It preserves the integrity of the reading frame.

NC_000001.11:g.(?_237441309)_(237454584_?)del

Gene: RYR2 (ryanodine receptor 2; plus strand). Cytogenetic location: 1q43.
Variant type: Deletion.
Identifiers: ClinVar variation 656299 (VCV000656299.46).